The following is an entry in ClinVar:

NM_138295.5(PKD1L1):c.2324T>C (p.Val775Ala)

Gene: PKD1L1 (polycystin 1 like 1, transient receptor potential channel interacting; minus strand). Cytogenetic location: 7p12.3.
Variant type: single nucleotide variant.
Coding change: c.2324T>C on transcript NM_138295.5 (MANE Select); coding-DNA position 2324, T replaced by C.
Protein change: p.Val775Ala; replaces valine 775 with alanine.
Molecular consequence: missense variant.
Genome position (GRCh38, 1-based): chr7:47,894,007, A>G on the plus strand (T>C on the coding strand, the complement: PKD1L1 is on the minus strand). VCF-style: chr7-47894007-A-G. GRCh37 (hg19) VCF-style: chr7-47933604-A-G.
Other names: short protein forms V775A.
Identifiers: ClinVar variation 2507111 (VCV002507111.3), dbSNP rs1786882063, ClinGen allele CA367487615.

ClinVar aggregate classification (germline): Uncertain significance (1 of 4 stars; one submission).

Allele frequency attached by ClinVar (database versions not stated): TOPMed below 0.00001.

Submission:

GeneDx
Classification: Uncertain significance. Last evaluated: 2025-01-02. Review status: criteria provided, single submitter. Criteria: GeneDx Variant Classification Process June 2021. Collection method: clinical testing. Allele origin: germline. Affected: yes.
Comment: Not observed at significant frequency in large population cohorts (gnomAD); In silico analysis supports that this missense variant has a deleterious effect on protein structure/function; Has not been previously published as pathogenic or benign to our knowledge